The following is an entry in ClinVar:

NM_032043.3(BRIP1):c.1069G>C (p.Glu357Gln)

Gene: BRIP1 (BRCA1 interacting DNA helicase 1; minus strand). Cytogenetic location: 17q23.2.
Variant type: single nucleotide variant.
Coding change: c.1069G>C on transcript NM_032043.3 (MANE Select); coding-DNA position 1069, G replaced by C.
Protein change: p.Glu357Gln; replaces glutamic acid 357 with glutamine.
Molecular consequence: missense variant.
Genome position (GRCh38, 1-based): chr17:61,801,324, C>G on the plus strand (G>C on the coding strand, the complement: BRIP1 is on the minus strand). VCF-style: chr17-61801324-C-G. GRCh37 (hg19) VCF-style: chr17-59878685-C-G.
Other names: short protein forms E357Q.
Identifiers: ClinVar variation 3993152 (VCV003993152.1).

ClinVar aggregate classification (germline): Uncertain significance (1 of 4 stars; one submission).

Conditions:
Hereditary cancer-predisposing syndrome. Also called: Tumor predisposition; Hereditary neoplastic syndrome; Neoplastic Syndromes, Hereditary; Hereditary Cancer Syndrome. Identifiers: Orphanet 140162, MedGen C0027672, MeSH D009386, MONDO:0015356.

Submission:

Ambry Genetics
Classification: Uncertain significance for Hereditary cancer-predisposing syndrome. Last evaluated: 2025-05-09. Review status: criteria provided, single submitter. Criteria: Ambry Variant Classification Scheme 2023. Collection method: clinical testing. Allele origin: germline.
Comment: The p.E357Q variant (also known as c.1069G>C), located in coding exon 7 of the BRIP1 gene, results from a G to C substitution at nucleotide position 1069. The glutamic acid at codon 357 is replaced by glutamine, an amino acid with highly similar properties. This amino acid position is highly conserved in available vertebrate species. In addition, the in silico prediction for this alteration is inconclusive. Based on the available evidence, the clinical significance of this variant remains unclear.